The following is an entry in ClinVar:

NM_000516.7(GNAS):c.536T>G (p.Leu179Arg)

Gene: GNAS (GNAS complex locus; plus strand). Cytogenetic location: 20q13.32.
Variant type: single nucleotide variant.
Coding change: c.536T>G on transcript NM_000516.7 (MANE Select); coding-DNA position 536, T replaced by G.
Protein change: p.Leu179Arg; replaces leucine 179 with arginine.
Molecular consequence: missense variant. On other transcripts: 3 prime UTR variant (2).
Genome position (GRCh38, 1-based): chr20:58,909,167, T>G. VCF-style: chr20-58909167-T-G. GRCh37 (hg19) VCF-style: chr20-57484222-T-G.
Other names: c.539T>G, p.Leu180Arg (NM_001077488.5); c.491T>G, p.Leu164Arg (NM_001077489.4); c.*397T>G (NM_001077490.3); c.359T>G, p.Leu120Arg (NM_001309840.2, NM_001309861.2); c.*442T>G (NM_016592.5); c.2465T>G, p.Leu822Arg (NM_080425.4); c.494T>G, p.Leu165Arg (NM_080426.4); short protein forms L165R, L822R, L120R, L179R, L164R, L180R.
Identifiers: ClinVar variation 1516659 (VCV001516659.8), dbSNP rs2146264846, ClinGen allele CA409451951.
Genomic context (GRCh38, chr20:58,909,167, plus strand): 5'-TGGCAAATTGATGTGAGCGCTGTGAACACCCCACGTGTCTTTCTTTTTCTCCCAGCTTCC[T>G]GGACAAGATCGACGTGATCAAGCAGGCTGACTATGTGCCGAGCGATCAGGTGTGCAAAAC-3'
Protein context (NP_000507.1, residues 169-189): YQLIDCAQYF[Leu179Arg]DKIDVIKQAD

ClinVar aggregate classification (germline): Likely pathogenic (1 of 4 stars; one submission).

Submission:

Labcorp Genetics (formerly Invitae), Labcorp
Classification: Likely pathogenic. Last evaluated: 2021-07-01. Review status: criteria provided, single submitter. Criteria: Invitae Variant Classification Sherloc (09022015). Collection method: clinical testing. Allele origin: germline.
Comment: This sequence change replaces leucine with arginine at codon 179 of the GNAS protein (p.Leu179Arg). The leucine residue is highly conserved and there is a moderate physicochemical difference between leucine and arginine. This variant is not present in population databases (ExAC no frequency). This variant has been observed in individual(s) with Albright’s hereditary osteodystrophy (Invitae). In at least one individual the variant was observed to be de novo. Algorithms developed to predict the effect of missense changes on protein structure and function are either unavailable or do not agree on the potential impact of this missense change (SIFT: "Deleterious"; PolyPhen-2: "Probably Damaging"; Align-GVGD: "Class C0"). In summary, the currently available evidence indicates that the variant is pathogenic, but additional data are needed to prove that conclusively. Therefore, this variant has been classified as Likely Pathogenic.